The following is an entry in ClinVar:

ClinVar aggregate classification (germline): Uncertain significance. Review status: criteria provided, multiple submitters, no conflicts (2 of 4 stars). 2 submissions from 2 submitters: Uncertain significance (2). Last evaluated 2025-06-15.

Conditions:
Familial thoracic aortic aneurysm and aortic dissection (TAAD). Also called: Thoracic aortic aneurysms and dissections. Identifiers: Orphanet 91387, MedGen C4707243, MONDO:0019625.

gnomAD v4.1: 10 of 1,614,162 alleles (0.00062%); highest among the groups gnomAD compares: South Asian, 0.0099%; no homozygotes.

Submissions (2):

Labcorp Genetics (formerly Invitae), Labcorp
Classification: Uncertain significance for Familial thoracic aortic aneurysm and aortic dissection. Last evaluated: 2025-06-15. Review status: criteria provided, single submitter. Criteria: Invitae Variant Classification Sherloc (09022015). Collection method: clinical testing. Allele origin: germline.
Comment: This sequence change replaces isoleucine, which is neutral and non-polar, with valine, which is neutral and non-polar, at codon 147 of the TGFBR1 protein (p.Ile147Val). This variant is present in population databases (rs760422619, gnomAD 0.01%). This missense change has been observed in individual(s) with clinical features of TGFBR1-related conditions (PMID: 31915033). Invitae Evidence Modeling of protein sequence and biophysical properties (such as structural, functional, and spatial information, amino acid conservation, physicochemical variation, residue mobility, and thermodynamic stability) indicates that this missense variant is not expected to disrupt TGFBR1 protein function with a negative predictive value of 95%. In summary, the available evidence is currently insufficient to determine the role of this variant in disease. Therefore, it has been classified as a Variant of Uncertain Significance.

Ambry Genetics
Classification: Uncertain significance for Familial thoracic aortic aneurysm and aortic dissection. Last evaluated: 2025-04-19. Review status: criteria provided, single submitter. Criteria: Ambry Variant Classification Scheme 2023. Collection method: clinical testing. Allele origin: germline.
Comment: The p.I147V variant (also known as c.439A>G), located in coding exon 3 of the TGFBR1 gene, results from an A to G substitution at nucleotide position 439. The isoleucine at codon 147 is replaced by valine, an amino acid with highly similar properties. This variant was reported in individual(s) with features consistent with TGFBR1-related thoracic aortic aneurysm and dissection (TAAD) (Yang H et al. Orphanet J Rare Dis, 2020 Jan;15:6; Ambry internal data). This amino acid position is not well conserved in available vertebrate species. In addition, this alteration is predicted to be tolerated by in silico analysis. Based on the available evidence, the clinical significance of this variant remains unclear for TGFBR1-related thoracic aortic aneurysm and dissection (TAAD); however, it is unlikely to be causative of susceptibility to multiple self-healing squamous epithelioma (MSSE).

Literature cited by the submitters: PubMed 31915033 (cited by Labcorp Genetics (formerly Invitae), Labcorp and Ambry Genetics).

NM_004612.4(TGFBR1):c.439A>G (p.Ile147Val)

Gene: TGFBR1 (transforming growth factor beta receptor 1; plus strand). Cytogenetic location: 9q22.33.
Variant type: single nucleotide variant.
Coding change: c.439A>G on transcript NM_004612.4 (MANE Select); coding-DNA position 439, A replaced by G.
Protein change: p.Ile147Val; replaces isoleucine 147 with valine.
Molecular consequence: missense variant. On other transcripts: non-coding transcript variant (4), intron variant (3).
Genome position (GRCh38, 1-based): chr9:99,132,604, A>G. VCF-style: chr9-99132604-A-G. GRCh37 (hg19) VCF-style: chr9-101894886-A-G.
Other names: c.244A>G, p.Ile82Val (NM_001407419.1, NM_001407420.1, NM_001407422.1 and 1 more transcripts); c.232A>G, p.Ile78Val (NM_001407423.1, NM_001407424.1, NM_001407425.1 and 8 more transcripts); c.343+3504A>G (NM_001130916.3); c.98-5255A>G (NM_001407438.1); c.98-9932A>G (NM_001407437.1); c.451A>G, p.Ile151Val (NM_001306210.2, NM_001407416.1); c.439A>G, p.Ile147Val (NM_001407417.1, NM_001407435.1); c.193A>G, p.Ile65Val (NM_001407436.1); short protein forms I151V, I82V, I147V, I65V, I78V.
Identifiers: ClinVar variation 3968083 (VCV003968083.2).